The following is an entry in ClinVar:

NM_000257.4(MYH7):c.2679+263T>G

Genes: MYH7 (myosin heavy chain 7; minus strand), LOC126861898 (BRD4-independent group 4 enhancer GRCh37_chr14:23893609-23894808; plus strand). Cytogenetic location: 14q11.2.
Variant type: single nucleotide variant.
Coding change: c.2679+263T>G on transcript NM_000257.4 (MANE Select); 263 bases into the intron after coding-DNA position 2679, T replaced by G.
Molecular consequence: intron variant.
Genome position (GRCh38, 1-based): chr14:23,424,506, A>C on the plus strand (T>G on the coding strand, the complement: MYH7 is on the minus strand). VCF-style: chr14-23424506-A-C. GRCh37 (hg19) VCF-style: chr14-23893715-A-C.
Identifiers: ClinVar variation 680655 (VCV000680655.1), dbSNP rs10150821, ClinGen allele CA257819169.

ClinVar aggregate classification (germline): Benign (1 of 4 stars; one submission).

Allele frequency attached by ClinVar (database versions not stated): gnomAD 0.18776 and 0.19718; 1000 Genomes Project 0.18830; 1000 Genomes Project 30x 0.19847; TOPMed 0.20292.
gnomAD v4.1: 28,411 of 152,254 alleles (19%); highest among the groups gnomAD compares: African/African-American, 48%; 5,065 homozygotes.

Submission:

GeneDx
Classification: Benign. Last evaluated: 2018-06-14. Review status: criteria provided, single submitter. Criteria: GeneDx Variant Classification (06012015). Collection method: clinical testing. Allele origin: germline. Affected: yes.
Comment: This variant is considered likely benign or benign based on one or more of the following criteria: it is a conservative change, it occurs at a poorly conserved position in the protein, it is predicted to be benign by multiple in silico algorithms, and/or has population frequency not consistent with disease.